The following is an entry in ClinVar:

ClinVar aggregate classification (germline): Pathogenic. Review status: criteria provided, multiple submitters, no conflicts (2 of 4 stars). 2 submissions from 2 submitters: Pathogenic (2). Last evaluated 2024-04-16.

Conditions:
CNGA3-related disorders.

gnomAD v4.1: 2 of 1,614,214 alleles (0.00012%); highest among the groups gnomAD compares: East Asian, 0.0022%; no homozygotes.

Submissions (2):

GeneDx
Classification: Pathogenic. Last evaluated: 2024-04-16. Review status: criteria provided, single submitter. Criteria: GeneDx Variant Classification Process June 2021. Collection method: clinical testing. Allele origin: germline. Affected: yes.
Comment: Published functional studies found this variant is associated with abnormal CNGA3 channel-mediated calcium influx (PMID: 37689994); In silico analysis supports that this missense variant has a deleterious effect on protein structure/function; Not observed at significant frequency in large population cohorts (gnomAD); This variant is associated with the following publications: (PMID: 31964843, 35332618, 26992781, 24903488, 32913385, 37689994)

Blueprint Genetics
Classification: Pathogenic for CNGA3-related disorders. Last evaluated: 2017-08-25. Review status: criteria provided, single submitter. Criteria: ACMG Guidelines, 2015. Collection method: clinical testing. Allele origin: germline. Affected: yes. Observed: 1 variant allele.

NM_001298.3(CNGA3):c.833T>C (p.Leu278Pro)

Gene: CNGA3 (cyclic nucleotide gated channel subunit alpha 3; plus strand). Cytogenetic location: 2q11.2.
Variant type: single nucleotide variant.
Coding change: c.833T>C on transcript NM_001298.3 (MANE Select); coding-DNA position 833, T replaced by C.
Protein change: p.Leu278Pro; replaces leucine 278 with proline.
Molecular consequence: missense variant.
Genome position (GRCh38, 1-based): chr2:98,396,003, T>C. VCF-style: chr2-98396003-T-C. GRCh37 (hg19) VCF-style: chr2-99012466-T-C.
Other names: c.779T>C, p.Leu260Pro (NM_001079878.2); short protein forms L260P, L278P.
Identifiers: ClinVar variation 3363432 (VCV003363432.2).
Genomic context (GRCh38, chr2:98,396,003, plus strand): 5'-CCACCGACCTGGCTTACTTAAAGGTGGGCACAAACTACCCAGAAGTGAGGTTCAACCGCC[T>C]ACTGAAGTTTTCCCGGCTCTTTGAATTCTTTGACCGCACAGAGACAAGGACCAACTACCC-3'
Protein context (NP_001289.1, residues 268-288): TNYPEVRFNR[Leu278Pro]LKFSRLFEFF